The following is an entry in ClinVar:

NM_001040108.2(MLH3):c.351G>A (p.Met117Ile)

Gene: MLH3 (mutL homolog 3; minus strand). Cytogenetic location: 14q24.3.
Variant type: single nucleotide variant.
Coding change: c.351G>A on transcript NM_001040108.2 (MANE Select); coding-DNA position 351, G replaced by A.
Protein change: p.Met117Ile; replaces methionine 117 with isoleucine.
Molecular consequence: missense variant.
Genome position (GRCh38, 1-based): chr14:75,049,305, C>T on the plus strand (G>A on the coding strand, the complement: MLH3 is on the minus strand). VCF-style: chr14-75049305-C-T. GRCh37 (hg19) VCF-style: chr14-75516008-C-T.
Other names: c.351G>A, p.Met117Ile (NM_014381.3); short protein forms M117I.
Identifiers: ClinVar variation 1732247 (VCV001732247.2), dbSNP rs767533815, ClinGen allele CA7276048.
Genomic context (GRCh38, chr14:75,049,305, plus strand): 5'-CACATCAGCTTCACAAGCTTTCAGGGCTTTTCCACTCTGAAACAGTTTCACAAAAGTTTT[C>T]ATTGTCCTGTTTTTCTTGGACGAAATTTCCACAGCACTGGCCATGTCAGCAATATTTGCC-3'
Protein context (NP_001035197.1, residues 107-127): VEISSKKNRT[Met117Ile]KTFVKLFQSG

ClinVar aggregate classification (germline): Uncertain significance (1 of 4 stars; one submission).

Allele frequency attached by ClinVar (database versions not stated): ExAC 0.00001.

Submission:

Ambry Genetics
Classification: Uncertain significance. Last evaluated: 2021-09-20. Review status: criteria provided, single submitter. Criteria: Ambry Variant Classification Scheme 2023. Collection method: clinical testing. Allele origin: germline.
Comment: The p.M117I variant (also known as c.351G>A), located in coding exon 1 of the MLH3 gene, results from a G to A substitution at nucleotide position 351. The methionine at codon 117 is replaced by isoleucine, an amino acid with highly similar properties. This amino acid position is conserved. In addition, this alteration is predicted to be tolerated by in silico analysis. Since supporting evidence is limited at this time, the clinical significance of this alteration remains unclear.